The following is an entry in ClinVar:

NM_003265.3(TLR3):c.874G>A (p.Asp292Asn)

Gene: TLR3 (toll like receptor 3; plus strand). Cytogenetic location: 4q35.1.
Variant type: single nucleotide variant.
Coding change: c.874G>A on transcript NM_003265.3 (MANE Select); coding-DNA position 874, G replaced by A.
Protein change: p.Asp292Asn; replaces aspartic acid 292 with asparagine.
Molecular consequence: missense variant.
Genome position (GRCh38, 1-based): chr4:186,082,560, G>A. VCF-style: chr4-186082560-G-A. GRCh37 (hg19) VCF-style: chr4-187003714-G-A.
Other names: short protein forms D292N.
Identifiers: ClinVar variation 860930 (VCV000860930.8), dbSNP rs371800977, ClinGen allele CA3161323.
Genomic context (GRCh38, chr4:186,082,560, plus strand): 5'-AAGTGGACAAATCTCACTATGCTCGATCTTTCCTACAACAACTTAAATGTGGTTGGTAAC[G>A]ATTCCTTTGCTTGGCTTCCACAACTAGAATATTTCTTCCTAGAGTATAATAATATACAGC-3'
Protein context (NP_003256.1, residues 282-302): SYNNLNVVGN[Asp292Asn]SFAWLPQLEY

ClinVar aggregate classification (germline): Uncertain significance (1 of 4 stars; one submission).

Conditions:
Encephalopathy, acute, infection-induced (herpes-specific), susceptibility to, 1. Also called: Herpes simplex encephalitis, susceptibility to, 1. Identifiers: Orphanet 1930, MedGen C2750180, MONDO:0024563, OMIM 610551.

Allele frequency attached by ClinVar (database versions not stated): gnomAD 0.00002; gnomAD exomes 0.00002 and 0.00004; TOPMed 0.00006; ExAC 0.00007; ESP Exome Variant Server 0.00008.
gnomAD v4.1: 35 of 1,614,026 alleles (0.0022%); highest among the groups gnomAD compares: African/African-American, 0.0093%; no homozygotes.

Submission:

Labcorp Genetics (formerly Invitae), Labcorp
Classification: Uncertain significance for Encephalopathy, acute, infection-induced (herpes-specific), susceptibility to, 1. Last evaluated: 2026-01-23. Review status: criteria provided, single submitter. Criteria: Invitae Variant Classification Sherloc (09022015). Collection method: clinical testing. Allele origin: germline.
Comment: This sequence change replaces aspartic acid, which is acidic and polar, with asparagine, which is neutral and polar, at codon 292 of the TLR3 protein (p.Asp292Asn). This variant is present in population databases (rs371800977, gnomAD 0.008%). This variant has not been reported in the literature in individuals affected with TLR3-related conditions. ClinVar contains an entry for this variant (Variation ID: 860930). An algorithm developed to predict the effect of missense changes on protein structure and function outputs the following: PolyPhen-2: "Benign". The asparagine amino acid residue is found in multiple mammalian species, which suggests that this missense change does not adversely affect protein function. In summary, the available evidence is currently insufficient to determine the role of this variant in disease. Therefore, it has been classified as a Variant of Uncertain Significance.